The following is an entry in ClinVar:

NM_017780.4(CHD7):c.3082A>G (p.Ile1028Val)

Gene: CHD7 (chromodomain helicase DNA binding protein 7; plus strand). Cytogenetic location: 8q12.2.
Variant type: single nucleotide variant.
Coding change: c.3082A>G on transcript NM_017780.4 (MANE Select); coding-DNA position 3082, A replaced by G.
Protein change: p.Ile1028Val; replaces isoleucine 1028 with valine.
Molecular consequence: missense variant. On other transcripts: intron variant (1).
Genome position (GRCh38, 1-based): chr8:60,822,627, A>G. VCF-style: chr8-60822627-A-G. GRCh37 (hg19) VCF-style: chr8-61735186-A-G.
Other names: c.3082A>G, p.Ile1028Val (LRG_176t1); c.1717-39602A>G (NM_001316690.1); short protein forms I1028V.
Identifiers: ClinVar variation 2022 (VCV000002022.25), dbSNP rs121434338, ClinGen allele CA223285.
Genomic context (GRCh38, chr8:60,822,627, plus strand): 5'-TATGAGATATATTTGAAAGGAATCCATGGCCCTTTTTTAGTAATTGCCCCATTGTCCACA[A>G]TCCCCAACTGGGAAAGGGAATTCCGAACCTGGACAGAGTTGAACGTGGTTGTGTATCATG-3'
Protein context (NP_060250.2, residues 1018-1038): PFLVIAPLST[Ile1028Val]PNWEREFRTW

ClinVar aggregate classification (germline): Pathogenic/Likely pathogenic. Review status: criteria provided, multiple submitters, no conflicts (2 of 4 stars). 11 submissions from 11 submitters: Pathogenic (9); Likely pathogenic (1). 1 of the submissions does not count toward it. Last evaluated 2026-01-19.

Conditions:
CHD7-related CHARGE syndrome. Identifiers: MedGen CN380413, MONDO:1010178, OMIM 214800.
CHARGE syndrome (CHARGE). Also called: CHARGE ASSOCIATION--COLOBOMA, HEART ANOMALY, CHOANAL ATRESIA, RETARDATION, GENITAL AND EAR ANOMALIES; Hittner Hirsch Kreh syndrome; Coloboma, heart anomaly, choanal atresia, retardation, genital and ear anomalies; CHARGE association; Hall-Hittner syndrome. Identifiers: Orphanet 138, MedGen C0265354, MONDO:0008965.
Hypogonadotropic hypogonadism 5 with or without anosmia (KAL5). Also called: HYPOGONADOTROPIC HYPOGONADISM 5 WITH ANOSMIA; HYPOGONADOTROPHIC HYPOGONADISM 5 WITHOUT ANOSMIA; CHD7-Related GnRH Deficiency (Kallmann Syndrome 5). Identifiers: Orphanet 478, MedGen C3552553, MONDO:0012880, OMIM 612370. Disease mechanism: loss of function.

Submissions (11):

Labcorp Genetics (formerly Invitae), Labcorp
Classification: Pathogenic for CHARGE syndrome. Last evaluated: 2026-01-19. Review status: criteria provided, single submitter. Criteria: Invitae Variant Classification Sherloc (09022015). Collection method: clinical testing. Allele origin: germline.
Comment: This sequence change replaces isoleucine, which is neutral and non-polar, with valine, which is neutral and non-polar, at codon 1028 of the CHD7 protein (p.Ile1028Val). This variant is not present in population databases (gnomAD no frequency). This missense change has been observed in individual(s) with CHARGE syndrome (PMID: 15300250, 16155193, 18073582, 20884005, 21158681, 22539353). In at least one individual the variant was observed to be de novo. ClinVar contains an entry for this variant (Variation ID: 2022). Invitae Evidence Modeling of protein sequence and biophysical properties (such as structural, functional, and spatial information, amino acid conservation, physicochemical variation, residue mobility, and thermodynamic stability) has been performed for this missense variant. However, the output from this modeling did not meet the statistical confidence thresholds required to predict the impact of this variant on CHD7 protein function. Experimental studies have shown that this missense change affects CHD7 function (PMID: 25472840). Algorithms developed to predict the effect of sequence changes on RNA splicing suggest that this variant may disrupt the consensus splice site. For these reasons, this variant has been classified as Pathogenic.

Department of Genetics, HCU Lozano Blesa
Classification: Pathogenic for CHD7-related CHARGE syndrome; Hypogonadotropic hypogonadism 5 with or without anosmia. Last evaluated: 2025-08-01. Review status: criteria provided, single submitter. Criteria: ACMG Guidelines 2015. Collection method: clinical testing. Allele origin: germline. Inheritance: Autosomal dominant inheritance. Affected: yes. Observed: 1 variant allele.
Comment: The c.3082A>G (p.Ile1028Val) variant in the CHD7 gene (NM_017780.4) should be classified as pathogenic based on the following criteria (ACMG): - The variant is not reported in population databases (GnomAD) (criterion PM2sup). - It is a missense change in a gene with a low rate of benign missense mutations (criterion PP2sup). - The variant is located in a mutational hot spot where a well-established functional domain of the protein is located (criterion PM1mod). - In silico algorithms, which study the effect of the variant on the structure and function of the protein (Revel, MetaLR, Varity, etc.), predict a deleterious behavior of the variant (criterion PP3sup). - Well-established functional studies show a harmful effect on protein function (criterion PS3sup).

Division of Genetic & Genomic Pathology, Hong Kong Children's Hospital
Classification: Pathogenic for CHD7-related CHARGE syndrome. Last evaluated: 2024-05-31. Review status: criteria provided, single submitter. Criteria: ACMG Guidelines, 2015. Collection method: clinical testing. Allele origin: germline. Affected: yes.
Comment: The missense variant c.3082A>G p.(Ile1028Val) is located in exon 12 (out of 38 exons) of the CHD7 gene. The variant is absent from the control populations (gnomAD v.2.1.1 and v.4.1.0). It has been reported in multiple patients with clinical features of CHARGE syndrome in the literature and in ClinVar (PMID: 15300250, 16155193, 18073582, 21158681; ClinVar accession: VCV000002022.18). For these reasons, this variant is classified as pathogenic.

Laboratory of Medical Genetics, National & Kapodistrian University of Athens
Classification: Pathogenic for CHD7-related CHARGE syndrome. Last evaluated: 2024-04-25. Review status: criteria provided, single submitter. Criteria: ACMG Guidelines, 2015. Collection method: clinical testing. Allele origin: germline. Affected: yes.
Comment: PS4, PS3, PM1, PM2, PP3- This variant has been reported in ClinVar as Pathogenic by other laboratories (Variation ID 2022).In silico prediction tools estimated that the variant could be damaging for the protein function/stracture. It is not present in population databases (gnomAD no frequency). It is reported previously as causative (PMID: 15300250, 16155193, 18073582, 20884005, 21158681, 22539353). Functional studies support pathogenic effect (PMID: 25472840).

GeneDx
Classification: Pathogenic. Last evaluated: 2023-03-02. Review status: criteria provided, single submitter. Criteria: GeneDx Variant Classification Process June 2021. Collection method: clinical testing. Allele origin: germline. Affected: yes.
Comment: Published functional studies demonstrate a damaging effect; the I1028V variant causes a complete loss of function of CHD7 (Balasubramanian et al., 2014); Not observed at significant frequency in large population cohorts (gnomAD); This variant is associated with the following publications: (PMID: 20884005, 16155193, 18073582, 25472840, 15300250, 22539353, 26563674, 22461308, 28475860, 21158681, 32914532, 34828433, 33189935)

Centre of Medical Genetics, University Hospital Muenster
Classification: Pathogenic. Last evaluated: 2022-05-31. Review status: criteria provided, single submitter. Criteria: ACMG Guidelines, 2015. Collection method: clinical testing. Allele origin: unknown. Affected: yes. Observed: 1 variant allele, 1 heterozygote.
Comment: ACMG categories: PS1,PS4,PM2,PM5

Fulgent Genetics
Classification: Pathogenic for CHD7-related CHARGE syndrome; Hypogonadotropic hypogonadism 5 with or without anosmia. Last evaluated: 2018-10-31. Review status: criteria provided, single submitter. Criteria: ACMG Guidelines, 2015. Collection method: clinical testing. Allele origin: unknown.

Eurofins Ntd Llc (ga)
Classification: Pathogenic. Last evaluated: 2013-08-27. Review status: criteria provided, single submitter. Criteria: EGL Classification Definitions. Collection method: clinical testing. Allele origin: germline. Observed: 1 variant allele, 1 heterozygote.

Juno Genomics, Hangzhou Juno Genomics, Inc
Classification: Pathogenic for CHD7-related CHARGE syndrome. Review status: criteria provided, single submitter. Criteria: ACMG Guidelines, 2015. Collection method: clinical testing. Allele origin: germline. Affected: yes.
Comment: Absent from controls (or at extremely low frequency if recessive) in Genome Aggregation Database, Exome Sequencing Project, 1000 Genomes Project, or Exome Aggregation Consortium.;Multiple lines of computational evidence support a deleterious effect on the gene or gene product (conservation, evolutionary, splicing impact, etc).;Missense variant in a gene that has a low rate of benign missense variation and where missense variants are a common mechanism of disease.;The prevalence of the variant in affected individuals is significantly increased compared to the prevalence in controls.;De novo (both maternity and paternity confirmed) in a patient with the disease and no family history.;Patient's phenotype or family history is highly specific for a disease with a single genetic etiology.

Laboratory of Medical Genetics, University of Torino
Classification: Likely pathogenic for CHD7-related CHARGE syndrome. Review status: criteria provided, single submitter. Criteria: ACMG Guidelines, 2015. Collection method: clinical testing. Allele origin: unknown. Affected: yes.

OMIM
Classification: Pathogenic for CHARGE SYNDROME. Last evaluated: 2004-09-01. Review status: no assertion criteria provided. Collection method: literature only. Allele origin: germline. Not counted in ClinVar's aggregate classification.

Literature cited by the submitters: PubMed 15300250 (cited by 3 submitters); PubMed 16155193 (cited by Labcorp Genetics (formerly Invitae), Labcorp and Division of Genetic & Genomic Pathology, Hong Kong Children's Hospital); PubMed 18073582 (cited by Labcorp Genetics (formerly Invitae), Labcorp and Division of Genetic & Genomic Pathology, Hong Kong Children's Hospital); PubMed 20884005 (cited by Labcorp Genetics (formerly Invitae), Labcorp); PubMed 21158681 (cited by Labcorp Genetics (formerly Invitae), Labcorp and Division of Genetic & Genomic Pathology, Hong Kong Children's Hospital); PubMed 22539353 (cited by Labcorp Genetics (formerly Invitae), Labcorp); PubMed 25472840 (cited by Labcorp Genetics (formerly Invitae), Labcorp).